The following is an entry in ClinVar:

ClinVar aggregate classification (germline): Pathogenic/Likely pathogenic. Review status: criteria provided, multiple submitters, no conflicts (2 of 4 stars). 6 submissions from 6 submitters: Pathogenic (2); Likely pathogenic (4). Last evaluated 2025-11-12.

Conditions:
CFTR-related disorder (CFTR-RD). Also called: CFTR-related disorders; CFTR-related condition. Identifiers: MedGen C5924204, MONDO:7770004.
Cystic fibrosis (CF). Also called: MUCOVISCIDOSIS. Identifiers: Orphanet 586, MedGen C0010674, MONDO:0009061, OMIM 219700. Disease mechanism: loss of function.
Hereditary pancreatitis (PCTT). Also called: Hereditary chronic pancreatitis; PRSS1-Related Hereditary Pancreatitis. Identifiers: Orphanet 676, MedGen C0238339, MONDO:0008185, OMIM 167800.
Congenital bilateral aplasia of vas deferens from CFTR mutation (CBAVD). Identifiers: Orphanet 48, MedGen C0403814, MONDO:0010178, OMIM 277180. Disease mechanism: loss of function.
Bronchiectasis with or without elevated sweat chloride 1 (BESC1). Also called: Cystic Fibrosis-Like Syndrome. Identifiers: Orphanet 60033, MedGen C2749757, MONDO:0008887, OMIM 211400.

Submissions (6):

Natera, Inc.
Classification: Likely pathogenic for CFTR-related disorders. Last evaluated: 2025-11-12. Review status: criteria provided, single submitter. Criteria: Natera Variant Classification Schema (03/2026). Collection method: clinical testing. Allele origin: germline.
Comment: The c.3062C>T variant in CFTR is a missense variant predicted to cause substitution of proline to leucine at amino acid 1021. This variant is rare in the general population with a frequency below the threshold expected for the associated phenotype(s). This variant has been observed in one or more individuals affected with the associated recessive disease, as either homozygous or compound heterozygous with a second variant (PMID: 29095814). Functional studies show that this variant may disrupt protein function (PMID: 38388235). Computational prediction algorithms indicate this variant is likely to affect gene or protein function. Given the available evidence, this variant is classified as Likely Pathogenic.

Ambry Genetics
Classification: Pathogenic for Cystic fibrosis. Last evaluated: 2025-07-21. Review status: criteria provided, single submitter. Criteria: Ambry Variant Classification Scheme 2023. Collection method: clinical testing. Allele origin: germline.
Comment: The p.P1021L variant (also known as c.3062C>T), located in coding exon 19 of the CFTR gene, results from a C to T substitution at nucleotide position 3062. The proline at codon 1021 is replaced by leucine, an amino acid with similar properties. This variant has been identified in conjunction with other CFTR variant(s) in individual(s) with features consistent with cystic fibrosis or CFTR-related disorders; in at least one instance, the variants were identified in trans (Qiu L et al. Front Med, 2018 Oct;12:550-558). In an assay testing CFTR function, this variant showed a functionally abnormal result (Bihler H et al. J Cyst Fibros, 2024 Jul;23:664-675). This amino acid position is highly conserved in available vertebrate species. In addition, this alteration is predicted to be deleterious by in silico analysis. This variant is considered to be rare based on population cohorts in the Genome Aggregation Database (gnomAD). Based on the supporting evidence, this variant is interpreted as a disease-causing mutation.

Fulgent Genetics
Classification: Likely pathogenic for Hereditary pancreatitis; Bronchiectasis with or without elevated sweat chloride 1; Cystic fibrosis; Congenital bilateral aplasia of vas deferens from CFTR mutation. Last evaluated: 2024-06-23. Review status: criteria provided, single submitter. Criteria: ACMG Guidelines, 2015. Collection method: clinical testing. Allele origin: germline.

Neuberg Centre For Genomic Medicine, NCGM
Classification: Likely pathogenic for Cystic fibrosis. Last evaluated: 2023-06-22. Review status: criteria provided, single submitter. Criteria: ACMG Guidelines, 2015. Collection method: clinical testing. Allele origin: germline. Inheritance: Autosomal recessive inheritance. Affected: yes.
Comment: The missense c.3062C>T p.Pro1021Leu variant in the CFTR gene which is located in a mutational hot spot has been reported previously in compound heterozygous state in an individual affected with Cystic fibrosis Qiu et al., 2018. This variant has been reported to the ClinVar database as Pathogenic/ Uncertain significance. This variant is absent in the gnomAD Exomes. The amino acid Proline at position 1021 is changed to a Leucine changing protein sequence and it might alter its composition and physico-chemical properties. Multiple lines of computational evidence Polyphen - Damaging, SIFT - Damaging and MutationTaster - Disease causing predict a damaging effect on protein structure and function for this variant. The amino acid change p.Pro1021Leu in CFTR is predicted as conserved by GERP++ and PhyloP across 100 vertebrates. For these reasons, this variant has been classified as Likely Pathogenic.

Labcorp Genetics (formerly Invitae), Labcorp
Classification: Pathogenic for Cystic fibrosis. Last evaluated: 2023-05-18. Review status: criteria provided, single submitter. Criteria: Invitae Variant Classification Sherloc (09022015). Collection method: clinical testing. Allele origin: germline.
Comment: This missense change has been observed in individual(s) with cystic fibrosis (PMID: 29520692). In at least one individual the data is consistent with being in trans (on the opposite chromosome) from a pathogenic variant. For these reasons, this variant has been classified as Pathogenic. This variant disrupts the p.Pro1021 amino acid residue in CFTR. Other variant(s) that disrupt this residue have been determined to be pathogenic (PMID: 8663008; http//). This suggests that this residue is clinically significant, and that variants that disrupt this residue are likely to be disease-causing. Advanced modeling of protein sequence and biophysical properties (such as structural, functional, and spatial information, amino acid conservation, physicochemical variation, residue mobility, and thermodynamic stability) performed at Invitae indicates that this missense variant is expected to disrupt CFTR protein function. ClinVar contains an entry for this variant (Variation ID: 455774). This variant is not present in population databases (gnomAD no frequency). This sequence change replaces proline, which is neutral and non-polar, with leucine, which is neutral and non-polar, at codon 1021 of the CFTR protein (p.Pro1021Leu).

Juno Genomics, Hangzhou Juno Genomics, Inc
Classification: Likely pathogenic for Cystic fibrosis. Review status: criteria provided, single submitter. Criteria: ACMG Guidelines, 2015. Collection method: clinical testing. Allele origin: germline.
Comment: Absent from controls (or at extremely low frequency if recessive) in Genome Aggregation Database.;Multiple lines of computational evidence support a deleterious effect on the gene or gene product.;For recessive disorders, detected in trans with a pathogenic variant.;Patient's phenotype or family history is highly specific for a disease with a single genetic etiology.

Literature cited by the submitters: PubMed 29095814 (cited by Natera, Inc.); PubMed 38388235 (cited by Natera, Inc. and Ambry Genetics); PubMed 29520692 (cited by Ambry Genetics and Labcorp Genetics (formerly Invitae), Labcorp); PubMed 8663008 (cited by Labcorp Genetics (formerly Invitae), Labcorp); PubMed 1263 (cited by Labcorp Genetics (formerly Invitae), Labcorp).

NM_000492.4(CFTR):c.3062C>T (p.Pro1021Leu)

Genes: CFTR (CF transmembrane conductance regulator; plus strand), CFTR-AS2 (CFTR antisense RNA 2; minus strand), LOC111674472 (DNase I hypersensitive sites in introns 16 and 17a of CFTR; plus strand). Cytogenetic location: 7q31.2.
Variant type: single nucleotide variant.
Coding change: c.3062C>T on transcript NM_000492.4 (MANE Select); coding-DNA position 3062, C replaced by T.
Protein change: p.Pro1021Leu; replaces proline 1021 with leucine.
Molecular consequence: missense variant.
Genome position (GRCh38, 1-based): chr7:117,610,592, C>T. VCF-style: chr7-117610592-C-T. GRCh37 (hg19) VCF-style: chr7-117250646-C-T.
Other names: short protein forms P1021L.
Identifiers: ClinVar variation 455774 (VCV000455774.17), dbSNP rs1554392023, ClinGen allele CA368990667.